The following is an entry in ClinVar:

NM_000270.4(PNP):c.584T>C (p.Val195Ala)

Gene: PNP (purine nucleoside phosphorylase; plus strand). Cytogenetic location: 14q11.2.
Variant type: single nucleotide variant.
Coding change: c.584T>C on transcript NM_000270.4 (MANE Select); coding-DNA position 584, T replaced by C.
Protein change: p.Val195Ala; replaces valine 195 with alanine.
Molecular consequence: missense variant.
Genome position (GRCh38, 1-based): chr14:20,475,184, T>C. VCF-style: chr14-20475184-T-C. GRCh37 (hg19) VCF-style: chr14-20943343-T-C.
Other names: short protein forms V195A.
Identifiers: ClinVar variation 1054718 (VCV001054718.9), dbSNP rs760776000, ClinGen allele CA7082173.

ClinVar aggregate classification (germline): Uncertain significance (1 of 4 stars; one submission).

Conditions:
Purine-nucleoside phosphorylase deficiency. Also called: Immunodeficiency due to purine nucleoside phosphorylase deficiency; NUCLEOSIDE PHOSPHORYLASE DEFICIENCY. Identifiers: Orphanet 760, MedGen C0268125, MONDO:0013171, OMIM 613179.

Allele frequency attached by ClinVar (database versions not stated): gnomAD exomes below 0.00001 and 0.00001; ExAC 0.00002.
gnomAD v4.1: 5 of 1,614,136 alleles (0.00031%); highest among the groups gnomAD compares: South Asian, 0.0055%; no homozygotes.

Submission:

Labcorp Genetics (formerly Invitae), Labcorp
Classification: Uncertain significance for Purine-nucleoside phosphorylase deficiency. Last evaluated: 2020-06-26. Review status: criteria provided, single submitter. Criteria: Invitae Variant Classification Sherloc (09022015). Collection method: clinical testing. Allele origin: germline.
Comment: In summary, the available evidence is currently insufficient to determine the role of this variant in disease. Therefore, it has been classified as a Variant of Uncertain Significance. Algorithms developed to predict the effect of missense changes on protein structure and function (SIFT, PolyPhen-2, Align-GVGD) all suggest that this variant is likely to be tolerated, but these predictions have not been confirmed by published functional studies and their clinical significance is uncertain. This variant has not been reported in the literature in individuals with PNP-related conditions. This variant is present in population databases (rs760776000, ExAC 0.01%). This sequence change replaces valine with alanine at codon 195 of the PNP protein (p.Val195Ala). The valine residue is weakly conserved and there is a small physicochemical difference between valine and alanine.